The following is an entry in ClinVar:

ClinVar aggregate classification (germline): Uncertain significance (1 of 4 stars; one submission).

Submission:

Labcorp Genetics (formerly Invitae), Labcorp
Classification: Uncertain significance. Last evaluated: 2022-11-07. Review status: criteria provided, single submitter. Criteria: Invitae Variant Classification Sherloc (09022015). Collection method: clinical testing. Allele origin: germline.
Comment: In summary, the available evidence is currently insufficient to determine the role of this variant in disease. Therefore, it has been classified as a Variant of Uncertain Significance. Algorithms developed to predict the effect of missense changes on protein structure and function are either unavailable or do not agree on the potential impact of this missense change (SIFT: "Not Available"; PolyPhen-2: "Probably Damaging"; Align-GVGD: "Not Available"). ClinVar contains an entry for this variant (Variation ID: 1416846). This variant has not been reported in the literature in individuals affected with UNC80-related conditions. This variant is not present in population databases (gnomAD no frequency). This sequence change replaces lysine, which is basic and polar, with glutamic acid, which is acidic and polar, at codon 1334 of the UNC80 protein (p.Lys1334Glu).

NM_001371986.1(UNC80):c.3994A>G (p.Lys1332Glu)

Gene: UNC80 (unc-80 subunit of NALCN channel complex; plus strand). Cytogenetic location: 2q34.
Variant type: single nucleotide variant.
Coding change: c.3994A>G on transcript NM_001371986.1 (MANE Select); coding-DNA position 3994, A replaced by G.
Protein change: p.Lys1332Glu; replaces lysine 1332 with glutamic acid.
Molecular consequence: missense variant.
Genome position (GRCh38, 1-based): chr2:209,880,978, A>G. VCF-style: chr2-209880978-A-G. GRCh37 (hg19) VCF-style: chr2-210745702-A-G.
Other names: c.4000A>G, p.Lys1334Glu (NM_032504.2); c.3985A>G, p.Lys1329Glu (NM_182587.4); short protein forms K1329E, K1332E, K1334E.
Identifiers: ClinVar variation 1416846 (VCV001416846.8), dbSNP rs2124895704, ClinGen allele CA350747592.